The following is an entry in ClinVar:

NM_007294.4(BRCA1):c.3746C>G (p.Thr1249Ser)

Genes: BRCA1 (BRCA1 DNA repair associated; minus strand), LOC126862571 (BRD4-independent group 4 enhancer GRCh37_chr17:41243136-41244335; plus strand). Cytogenetic location: 17q21.31.
Variant type: single nucleotide variant.
Coding change: c.3746C>G on transcript NM_007294.4 (MANE Select); coding-DNA position 3746, C replaced by G.
Protein change: p.Thr1249Ser; replaces threonine 1249 with serine.
Molecular consequence: missense variant. On other transcripts: intron variant (135).
Genome position (GRCh38, 1-based): chr17:43,091,785, G>C on the plus strand (C>G on the coding strand, the complement: BRCA1 is on the minus strand). VCF-style: chr17-43091785-G-C. GRCh37 (hg19) VCF-style: chr17-41243802-G-C.
Other names: c.3533C>G, p.Thr1178Ser (NM_001407571.1, NM_001407853.1, NM_001407894.1 and 9 more transcripts); c.3746C>G, p.Thr1249Ser (NM_001407581.1, NM_001407582.1, NM_001407583.1 and 30 more transcripts); c.3743C>G, p.Thr1248Ser (NM_001407587.1, NM_001407590.1, NM_001407591.1 and 22 more transcripts); c.3737C>G, p.Thr1246Ser (NM_001407646.1, NM_001407647.1); c.3623C>G, p.Thr1208Ser (NM_001407648.1, NM_001407664.1, NM_001407665.1 and 19 more transcripts); c.3620C>G, p.Thr1207Ser (NM_001407649.1, NM_001407670.1, NM_001407671.1 and 11 more transcripts); c.3668C>G, p.Thr1223Ser (NM_001407653.1, NM_001407654.1, NM_001407655.1 and 4 more transcripts); c.3665C>G, p.Thr1222Ser (NM_001407659.1, NM_001407660.1, NM_001407661.1 and 1 more transcripts); and 41 more; short protein forms T1249S, T1202S, T1122S, T1138S, T1179S, T1182S, T1208S, T953S.
Identifiers: ClinVar variation 54986 (VCV000054986.53), dbSNP rs80357099, ClinGen allele CA002399.

ClinVar aggregate classification (germline): Conflicting classifications of pathogenicity. Review status: criteria provided, conflicting classifications (1 of 4 stars). 10 submissions from 10 submitters: Uncertain significance (7); Benign (1); Likely benign (1). 1 of the submissions does not count toward it. Last evaluated 2026-01-14.

Conditions:
Breast-ovarian cancer, familial, susceptibility to, 1 (BROVCA1). Also called: BRCA1 Hereditary Breast and Ovarian Cancer; OVARIAN CANCER, SUSCEPTIBILITY TO. Identifiers: Orphanet 145, MedGen C2676676, MONDO:0011450, OMIM 604370. Disease mechanism: loss of function.
Hereditary cancer-predisposing syndrome. Also called: Hereditary Cancer Syndrome; Hereditary neoplastic syndrome; Neoplastic Syndromes, Hereditary; Tumor predisposition. Identifiers: Orphanet 140162, MedGen C0027672, MeSH D009386, MONDO:0015356.
Hereditary breast ovarian cancer syndrome. Also called: BRCA1- and BRCA2-Associated Hereditary Breast and Ovarian Cancer; Hereditary breast and ovarian cancer syndrome; Hereditary breast and ovarian cancer syndrome (HBOC); Breast and ovarian cancer; Hereditary breast and/or ovarian cancer syndrome; Hereditary breast and ovarian cancer. Identifiers: Orphanet 145, MedGen C0677776, MeSH D061325, MONDO:0003582. Disease mechanism: loss of function.

Allele frequency attached by ClinVar (database versions not stated): gnomAD 0.00002 and 0.00001; 1000 Genomes Project 30x 0.00016; ExAC 0.00002; TOPMed 0.00001; gnomAD exomes 0.00002; 1000 Genomes Project 0.00020.
gnomAD v4.1: 7 of 1,614,156 alleles (0.00043%); highest among the groups gnomAD compares: African/African-American, 0.0067%; no homozygotes.

Submissions (10):

Labcorp Genetics (formerly Invitae), Labcorp
Classification: Benign for Hereditary breast ovarian cancer syndrome. Last evaluated: 2026-01-14. Review status: criteria provided, single submitter. Criteria: Invitae Variant Classification Sherloc (09022015). Collection method: clinical testing. Allele origin: germline.

Color Diagnostics, LLC DBA Color Health
Classification: Uncertain significance for Hereditary cancer-predisposing syndrome. Last evaluated: 2025-10-07. Review status: criteria provided, single submitter. Criteria: ACMG Guidelines, 2015. Collection method: clinical testing. Allele origin: germline.
Comment: This missense variant replaces threonine with serine at codon 1249 of the BRCA1 protein. Computational prediction suggests that this variant may not impact protein structure and function. To our knowledge, functional studies have not been reported for this variant. This variant has been reported in an individual affected with breast cancer and in a suspected hereditary breast cancer family (PMID: 35980532, 36329109), and it also has been detected in a breast cancer case-control meta-analysis in 1/60466 cases and 0/53461 unaffected individuals (PMID: 33471991Leiden Open Variation Database DB-ID BRCA1_000276). Multifactorial analysis on clinical data has reached a combined likelihood ratio (LR) of 0.309 from published LR for 1 carrier (PMID: 31853058). This variant has been identified in 7/1614156 chromosomes in the general population by the Genome Aggregation Database (gnomAD). The available evidence is insufficient to determine the role of this variant in disease conclusively. Therefore, this variant is classified as a Variant of Uncertain Significance.

Dasa
Classification: Uncertain significance for Breast-ovarian cancer, familial, susceptibility to, 1. Last evaluated: 2025-06-29. Review status: criteria provided, single submitter. Criteria: DASA Assertion Criteria. Collection method: clinical testing. Allele origin: germline.
Comment: NM_007294.4(BRCA1):c.3746C>G (p.Thr1249Ser) is a missense variant that results in the substitution of threonine with serine. This variant is rare in population databases. The currently available literature and clinical evidence are not sufficient to establish a definitive association between this variant and the reported condition. Therefore, this variant is classified as a variant of uncertain significance.

Ambry Genetics
Classification: Uncertain significance for Hereditary cancer-predisposing syndrome. Last evaluated: 2025-06-20. Review status: criteria provided, single submitter. Criteria: Ambry Variant Classification Scheme 2023. Collection method: clinical testing. Allele origin: germline.
Comment: The p.T1249S variant (also known as c.3746C>G), located in coding exon 9 of the BRCA1 gene, results from a C to G substitution at nucleotide position 3746. The threonine at codon 1249 is replaced by serine, an amino acid with similar properties. This amino acid position is not well conserved in available vertebrate species. In addition, the in silico prediction for this alteration is inconclusive. Based on the available evidence, the clinical significance of this variant remains unclear.

Quest Diagnostics Nichols Institute San Juan Capistrano
Classification: Uncertain significance. Last evaluated: 2025-03-06. Review status: criteria provided, single submitter. Criteria: Quest Diagnostics criteria. Collection method: clinical testing. Allele origin: unknown.
Comment: The BRCA1 c.3746C>G (p.Thr1249Ser) variant has been reported in the published literature in individuals/families affected with breast and/or ovarian cancer or a BRCA1-related cancer (PMIDs: 31853058 (2020), 35585550 (2022), 35980532 (2022), 36329109 (2022)), and in an undescribed carrier in a study of prostate cancer (PMID: 32832836 (2020)). The frequency of this variant in the general population (Genome Aggregation Database) is uninformative in the assessment of its pathogenicity. Analysis of this variant using bioinformatics tools for the prediction of the effect of amino acid changes on protein structure and function yielded predictions that this variant is benign. Based on the available information, we are unable to determine the clinical significance of this variant.

Women's Health and Genetics/Laboratory Corporation of America, LabCorp
Classification: Uncertain significance. Last evaluated: 2023-08-07. Review status: criteria provided, single submitter. Criteria: LabCorp Variant Classification Summary - May 2015. Collection method: clinical testing. Allele origin: germline.
Comment: Variant summary: BRCA1 c.3746C>G (p.Thr1249Ser) results in a conservative amino acid change in the encoded protein sequence. Five of five in-silico tools predict a benign effect of the variant on protein function. The variant allele was found at a frequency of 1.6e-05 in 251258 control chromosomes. The available data on variant occurrences in the general population are insufficient to allow any conclusion about variant significance. c.3746C>G has been reported in the literature in individuals affected with Hereditary Breast And Ovarian Cancer Syndrome without strong evidence for causality (examples: Judkins_2005, Matta_2022, Pereira_2022). These report(s) do not provide unequivocal conclusions about association of the variant with Hereditary Breast And Ovarian Cancer Syndrome. To our knowledge, no experimental evidence demonstrating an impact on protein function has been reported. The following publications have been ascertained in the context of this evaluation (PMID: 16267036, 36329109, 35980532). Five submitters have cited clinical-significance assessments for this variant to ClinVar after 2014 (VUS: n=3; likely benign/benign: n=2). Based on the evidence outlined above, the variant was classified as uncertain significance.

University of Washington Department of Laboratory Medicine, University of Washington
Classification: Likely benign for Hereditary cancer-predisposing syndrome. Last evaluated: 2023-03-23. Review status: criteria provided, single submitter. Criteria: Dines et al. (Genet Med. 2020). Collection method: curation. Allele origin: germline.
Comment: Missense variant in a coldspot region where missense variants are very unlikely to be pathogenic (PMID:31911673).

BRCA1 coldspot (exon 11 using historical exon numbering). Reclassification based on statistical prior probability

GeneDx
Classification: Uncertain significance. Last evaluated: 2023-02-23. Review status: criteria provided, single submitter. Criteria: GeneDx Variant Classification Process June 2021. Collection method: clinical testing. Allele origin: germline. Affected: yes.
Comment: Not observed at significant frequency in large population cohorts (gnomAD); In silico analysis supports that this missense variant does not alter protein structure/function; Also known as 3865C>G; Observed in individuals undergoing clinical testing for hereditary breast and ovarian cancer syndrome (Abkevich et al., 2004; Judkins et al., 2005); This variant is associated with the following publications: (PMID: 32377563, 31911673, 29884841, 31853058, 15235020, 16267036)

Genetics Program, Instituto Nacional de Cancer
Classification: Uncertain significance for Hereditary breast ovarian cancer syndrome. Last evaluated: 2021-11-01. Review status: criteria provided, single submitter. Criteria: ACMG Guidelines, 2015. Collection method: research. Allele origin: germline. Affected: yes.

Breast Cancer Information Core (BIC) (BRCA1)
Classification: Uncertain significance for Breast-ovarian cancer, familial 1. Last evaluated: 2002-05-29. Review status: no assertion criteria provided. Collection method: clinical testing. Allele origin: germline. Affected: yes. Observed: 2 variant alleles. Not counted in ClinVar's aggregate classification.

Literature cited by the submitters: PubMed 31853058 (cited by Color Diagnostics, LLC DBA Color Health and Quest Diagnostics Nichols Institute San Juan Capistrano); PubMed 33471991 (cited by Color Diagnostics, LLC DBA Color Health and Quest Diagnostics Nichols Institute San Juan Capistrano); PubMed 35980532 (cited by 3 submitters); PubMed 36329109 (cited by 4 submitters); PubMed 15235020 (cited by Ambry Genetics and Quest Diagnostics Nichols Institute San Juan Capistrano); PubMed 31911673 (cited by Quest Diagnostics Nichols Institute San Juan Capistrano); PubMed 16267036 (cited by Quest Diagnostics Nichols Institute San Juan Capistrano and Women's Health and Genetics/Laboratory Corporation of America, LabCorp); PubMed 29884841 (cited by Quest Diagnostics Nichols Institute San Juan Capistrano); PubMed 32832836 (cited by Quest Diagnostics Nichols Institute San Juan Capistrano); PubMed 33087888 (cited by Quest Diagnostics Nichols Institute San Juan Capistrano); PubMed 35585550 (cited by Quest Diagnostics Nichols Institute San Juan Capistrano); PubMed 35729312 (cited by Quest Diagnostics Nichols Institute San Juan Capistrano).